The following is an entry in ClinVar:

NM_030665.4(RAI1):c.4559C>T (p.Thr1520Ile)

Gene: RAI1 (retinoic acid induced 1; plus strand). Cytogenetic location: 17p11.2.
Variant type: single nucleotide variant.
Coding change: c.4559C>T on transcript NM_030665.4 (MANE Select); coding-DNA position 4559, C replaced by T.
Protein change: p.Thr1520Ile; replaces threonine 1520 with isoleucine.
Molecular consequence: missense variant.
Genome position (GRCh38, 1-based): chr17:17,797,507, C>T. VCF-style: chr17-17797507-C-T. GRCh37 (hg19) VCF-style: chr17-17700821-C-T.
Other names: short protein forms T1520I.
Identifiers: ClinVar variation 4990303 (VCV004990303.1).

ClinVar aggregate classification (germline): Uncertain significance (1 of 4 stars; one submission).

Conditions:
RAI1-related disorder. Also called: RAI1-related condition.

gnomAD v4.1: 3 of 1,613,548 alleles (0.00019%); highest among the groups gnomAD compares: Non-Finnish European, 0.00025%; no homozygotes.

Submission:

PreventionGenetics, part of Exact Sciences
Classification: Uncertain significance for RAI1-related condition. Last evaluated: 2025-02-25. Review status: criteria provided, single submitter. Criteria: ACMG Guidelines, 2015. Collection method: clinical testing. Allele origin: germline.
Comment: The RAI1 c.4559C>T variant is predicted to result in the amino acid substitution p.Thr1520Ile. To our knowledge, this variant has not been reported in the literature or in a large population database (gnomAD), indicating this variant is rare. At this time, the clinical significance of this variant is uncertain due to the absence of conclusive functional and genetic evidence.